The following is an entry in ClinVar:

ClinVar aggregate classification (germline): Uncertain significance (1 of 4 stars; one submission).

Submission:

Labcorp Genetics (formerly Invitae), Labcorp
Classification: Uncertain significance. Last evaluated: 2024-03-07. Review status: criteria provided, single submitter. Criteria: Invitae Variant Classification Sherloc (09022015). Collection method: clinical testing. Allele origin: germline.
Comment: This sequence change replaces glycine, which is neutral and non-polar, with arginine, which is basic and polar, at codon 1709 of the HERC1 protein (p.Gly1709Arg). This variant is not present in population databases (gnomAD no frequency). This variant has not been reported in the literature in individuals affected with HERC1-related conditions. Advanced modeling of protein sequence and biophysical properties (such as structural, functional, and spatial information, amino acid conservation, physicochemical variation, residue mobility, and thermodynamic stability) performed at Invitae indicates that this missense variant is expected to disrupt HERC1 protein function with a positive predictive value of 80%. In summary, the available evidence is currently insufficient to determine the role of this variant in disease. Therefore, it has been classified as a Variant of Uncertain Significance.

NM_003922.4(HERC1):c.5125G>A (p.Gly1709Arg)

Gene: HERC1 (HECT and RLD domain containing E3 ubiquitin protein ligase family member 1; minus strand). Cytogenetic location: 15q22.31.
Variant type: single nucleotide variant.
Coding change: c.5125G>A on transcript NM_003922.4 (MANE Select); coding-DNA position 5125, G replaced by A.
Protein change: p.Gly1709Arg; replaces glycine 1709 with arginine.
Molecular consequence: missense variant.
Genome position (GRCh38, 1-based): chr15:63,694,891, C>T on the plus strand (G>A on the coding strand, the complement: HERC1 is on the minus strand). VCF-style: chr15-63694891-C-T. GRCh37 (hg19) VCF-style: chr15-63987090-C-T.
Other names: short protein forms G1709R.
Identifiers: ClinVar variation 3644982 (VCV003644982.2).